The following is an entry in ClinVar:

NM_020699.4(GATAD2B):c.410G>A (p.Arg137His)

Gene: GATAD2B (GATA zinc finger domain containing 2B; minus strand). Cytogenetic location: 1q21.3.
Variant type: single nucleotide variant.
Coding change: c.410G>A on transcript NM_020699.4 (MANE Select); coding-DNA position 410, G replaced by A.
Protein change: p.Arg137His; replaces arginine 137 with histidine.
Molecular consequence: missense variant.
Genome position (GRCh38, 1-based): chr1:153,819,661, C>T on the plus strand (G>A on the coding strand, the complement: GATAD2B is on the minus strand). VCF-style: chr1-153819661-C-T. GRCh37 (hg19) VCF-style: chr1-153792137-C-T.
Other names: short protein forms R137H.
Identifiers: ClinVar variation 2980811 (VCV002980811.3), dbSNP rs368663587, ClinGen allele CA1120871.

ClinVar aggregate classification (germline): Uncertain significance (1 of 4 stars; one submission).

Allele frequency attached by ClinVar (database versions not stated): gnomAD 0.00001; gnomAD exomes 0.00001; TOPMed 0.00003; ESP Exome Variant Server 0.00008.
gnomAD v4.1: 13 of 1,610,618 alleles (0.00081%); highest among the groups gnomAD compares: Non-Finnish European, 0.00068%; no homozygotes.

Submission:

Labcorp Genetics (formerly Invitae), Labcorp
Classification: Uncertain significance. Last evaluated: 2023-03-08. Review status: criteria provided, single submitter. Criteria: Invitae Variant Classification Sherloc (09022015). Collection method: clinical testing. Allele origin: germline.
Comment: In summary, the available evidence is currently insufficient to determine the role of this variant in disease. Therefore, it has been classified as a Variant of Uncertain Significance. Advanced modeling of protein sequence and biophysical properties (such as structural, functional, and spatial information, amino acid conservation, physicochemical variation, residue mobility, and thermodynamic stability) has been performed at Invitae for this missense variant, however the output from this modeling did not meet the statistical confidence thresholds required to predict the impact of this variant on GATAD2B protein function. This variant has not been reported in the literature in individuals affected with GATAD2B-related conditions. This variant is present in population databases (rs368663587, gnomAD 0.002%). This sequence change replaces arginine, which is basic and polar, with histidine, which is basic and polar, at codon 137 of the GATAD2B protein (p.Arg137His).